The following is an entry in ClinVar:

ClinVar aggregate classification (germline): Uncertain significance. Review status: criteria provided, multiple submitters, no conflicts (2 of 4 stars). 2 submissions from 2 submitters: Uncertain significance (2). Last evaluated 2025-03-31.

Conditions:
Hereditary cancer-predisposing syndrome. Also called: Neoplastic Syndromes, Hereditary; Tumor predisposition; Hereditary Cancer Syndrome; Hereditary neoplastic syndrome. Identifiers: Orphanet 140162, MedGen C0027672, MeSH D009386, MONDO:0015356.
Tuberous sclerosis 2 (TSC2). Identifiers: Orphanet 805, MedGen C1860707, MONDO:0013199, OMIM 613254.

Submissions (2):

Labcorp Genetics (formerly Invitae), Labcorp
Classification: Uncertain significance for Tuberous sclerosis 2. Last evaluated: 2025-03-31. Review status: criteria provided, single submitter. Criteria: Invitae Variant Classification Sherloc (09022015). Collection method: clinical testing. Allele origin: germline.
Comment: This sequence change replaces proline, which is neutral and non-polar, with serine, which is neutral and polar, at codon 1158 of the TSC2 protein (p.Pro1158Ser). This variant is not present in population databases (gnomAD no frequency). This variant has not been reported in the literature in individuals affected with TSC2-related conditions. ClinVar contains an entry for this variant (Variation ID: 535966). Invitae Evidence Modeling of protein sequence and biophysical properties (such as structural, functional, and spatial information, amino acid conservation, physicochemical variation, residue mobility, and thermodynamic stability) indicates that this missense variant is not expected to disrupt TSC2 protein function with a negative predictive value of 95%. In summary, the available evidence is currently insufficient to determine the role of this variant in disease. Therefore, it has been classified as a Variant of Uncertain Significance.

Ambry Genetics
Classification: Uncertain significance for Hereditary cancer-predisposing syndrome. Last evaluated: 2022-12-13. Review status: criteria provided, single submitter. Criteria: Ambry Variant Classification Scheme 2023. Collection method: clinical testing. Allele origin: germline.
Comment: The p.P1158S variant (also known as c.3472C>T), located in coding exon 29 of the TSC2 gene, results from a C to T substitution at nucleotide position 3472. The proline at codon 1158 is replaced by serine, an amino acid with similar properties. This amino acid position is poorly conserved in available vertebrate species. In addition, this alteration is predicted to be tolerated by in silico analysis. Since supporting evidence is limited at this time, the clinical significance of this alteration remains unclear.

NM_000548.5(TSC2):c.3472C>T (p.Pro1158Ser)

Gene: TSC2 (TSC complex subunit 2; plus strand). Cytogenetic location: 16p13.3.
Variant type: single nucleotide variant.
Coding change: c.3472C>T on transcript NM_000548.5 (MANE Select); coding-DNA position 3472, C replaced by T.
Protein change: p.Pro1158Ser; replaces proline 1158 with serine.
Molecular consequence: missense variant.
Genome position (GRCh38, 1-based): chr16:2,080,239, C>T. VCF-style: chr16-2080239-C-T. GRCh37 (hg19) VCF-style: chr16-2130240-C-T.
Other names: c.3340C>T, p.Pro1114Ser (NM_001077183.3, NM_001370404.1); c.3472C>T, p.Pro1158Ser (NM_001114382.3); c.3232C>T, p.Pro1078Ser (NM_001318827.2); c.3196C>T, p.Pro1066Ser (NM_001318829.2); c.2740C>T, p.Pro914Ser (NM_001318831.2); c.3373C>T, p.Pro1125Ser (NM_001318832.2); c.3343C>T, p.Pro1115Ser (NM_001363528.2, NM_001370405.1, NM_021055.3); short protein forms P1158S, P1078S, P1114S, P914S, P1115S, P1066S, P1125S.
Identifiers: ClinVar variation 535966 (VCV000535966.10), dbSNP rs759350468, ClinGen allele CA394288939.